The following is an entry in ClinVar:

NM_032221.5(CHD6):c.852+4T>C

Gene: CHD6 (chromodomain helicase DNA binding protein 6; minus strand). Cytogenetic location: 20q12.
Variant type: single nucleotide variant.
Coding change: c.852+4T>C on transcript NM_032221.5 (MANE Select); 4 bases into the intron after coding-DNA position 852, T replaced by C.
Molecular consequence: intron variant.
Genome position (GRCh38, 1-based): chr20:41,512,842, A>G on the plus strand (T>C on the coding strand, the complement: CHD6 is on the minus strand). VCF-style: chr20-41512842-A-G. GRCh37 (hg19) VCF-style: chr20-40141481-A-G.
Identifiers: ClinVar variation 784724 (VCV000784724.17), dbSNP rs79549169, ClinGen allele CA9863330.
Genomic context (GRCh38, chr20:41,512,842, plus strand): 5'-CGTCTGTCATCTAGGTCAAAATGACTGTCCAGCCAAGGTCAGTAACCTCATGCAAAGGCC[A>G]TACCTCCGCCTGCCAGGCCAGTGTAGAGGCTGAGAGTGCAGATGTTCGACCAGCTCCAAG-3'

ClinVar aggregate classification (germline): Benign. Review status: criteria provided, multiple submitters, no conflicts (2 of 4 stars). 2 submissions from 2 submitters: Benign (2). Last evaluated 2026-07-01.

Allele frequency attached by ClinVar (database versions not stated): 1000 Genomes Project 30x 0.00437; 1000 Genomes Project 0.00459; TOPMed 0.00575; gnomAD 0.00699 and 0.00730; gnomAD exomes 0.00858 and 0.00977; ESP Exome Variant Server 0.00869; ExAC 0.00970.
gnomAD v4.1: 15,222 of 1,613,964 alleles (0.94%); highest among the groups gnomAD compares: Non-Finnish European, 1.1%; 106 homozygotes.

Submissions (2):

CeGaT Center for Human Genetics Tuebingen
Classification: Benign. Last evaluated: 2026-07-01. Review status: criteria provided, single submitter. Criteria: CeGaT Center For Human Genetics Tuebingen Variant Classification Criteria Version 2. Collection method: clinical testing. Allele origin: germline. Affected: yes. Observed: 6 variant alleles.
Comment: CHD6: BP4, BS1, BS2

Labcorp Genetics (formerly Invitae), Labcorp
Classification: Benign. Last evaluated: 2019-12-31. Review status: criteria provided, single submitter. Criteria: Invitae Variant Classification Sherloc (09022015). Collection method: clinical testing. Allele origin: germline.